The following is an entry in ClinVar:

ClinVar aggregate classification (germline): Uncertain significance (1 of 4 stars; one submission).

Allele frequency attached by ClinVar (database versions not stated): gnomAD exomes below 0.00001; gnomAD 0.00001; ExAC 0.00002; TOPMed 0.00002.
gnomAD v4.1: 9 of 1,605,666 alleles (0.00056%); highest among the groups gnomAD compares: African/African-American, 0.011%; no homozygotes.

Submission:

Labcorp Genetics (formerly Invitae), Labcorp
Classification: Uncertain significance. Last evaluated: 2022-05-25. Review status: criteria provided, single submitter. Criteria: Invitae Variant Classification Sherloc (09022015). Collection method: clinical testing. Allele origin: germline.
Comment: This variant is present in population databases (rs770319227, gnomAD 0.03%). This sequence change falls in intron 19 of the DNAH9 gene. It does not directly change the encoded amino acid sequence of the DNAH9 protein. It affects a nucleotide within the consensus splice site. This variant has not been reported in the literature in individuals affected with DNAH9-related conditions. Variants that disrupt the consensus splice site are a relatively common cause of aberrant splicing (PMID: 17576681, 9536098). Algorithms developed to predict the effect of sequence changes on RNA splicing suggest that this variant is not likely to affect RNA splicing. In summary, the available evidence is currently insufficient to determine the role of this variant in disease. Therefore, it has been classified as a Variant of Uncertain Significance.

Literature cited by the submitters: PubMed 17576681; PubMed 9536098.

NM_001372.4(DNAH9):c.3743+5G>A

Gene: DNAH9 (dynein axonemal heavy chain 9; plus strand). Cytogenetic location: 17p12.
Variant type: single nucleotide variant.
Coding change: c.3743+5G>A on transcript NM_001372.4 (MANE Select); 5 bases into the intron after coding-DNA position 3743, G replaced by A.
Molecular consequence: intron variant.
Genome position (GRCh38, 1-based): chr17:11,680,894, G>A. VCF-style: chr17-11680894-G-A. GRCh37 (hg19) VCF-style: chr17-11584211-G-A.
Identifiers: ClinVar variation 2414390 (VCV002414390.5), dbSNP rs770319227, ClinGen allele CA8395522.